The following is an entry in ClinVar:

ClinVar aggregate classification (germline): Uncertain significance (1 of 4 stars; one submission).

Allele frequency attached by ClinVar (database versions not stated): gnomAD exomes 0.00001.

Submission:

Labcorp Genetics (formerly Invitae), Labcorp
Classification: Uncertain significance. Last evaluated: 2022-07-11. Review status: criteria provided, single submitter. Criteria: Invitae Variant Classification Sherloc (09022015). Collection method: clinical testing. Allele origin: germline.
Comment: In summary, the available evidence is currently insufficient to determine the role of this variant in disease. Therefore, it has been classified as a Variant of Uncertain Significance. ClinVar contains an entry for this variant (Variation ID: 1382707). This variant has not been reported in the literature in individuals affected with KLHL9-related conditions. This variant is not present in population databases (gnomAD no frequency). This sequence change replaces asparagine, which is neutral and polar, with aspartic acid, which is acidic and polar, at codon 165 of the KLHL9 protein (p.Asn165Asp). Algorithms developed to predict the effect of missense changes on protein structure and function are either unavailable or do not agree on the potential impact of this missense change (SIFT: "Not Available"; PolyPhen-2: "Benign"; Align-GVGD: "Not Available").

NM_018847.4(KLHL9):c.493A>G (p.Asn165Asp)

Gene: KLHL9 (kelch like family member 9; minus strand). Cytogenetic location: 9p21.3.
Variant type: single nucleotide variant.
Coding change: c.493A>G on transcript NM_018847.4 (MANE Select); coding-DNA position 493, A replaced by G.
Protein change: p.Asn165Asp; replaces asparagine 165 with aspartic acid.
Molecular consequence: missense variant.
Genome position (GRCh38, 1-based): chr9:21,334,367, T>C on the plus strand (A>G on the coding strand, the complement: KLHL9 is on the minus strand). VCF-style: chr9-21334367-T-C. GRCh37 (hg19) VCF-style: chr9-21334366-T-C.
Other names: short protein forms N165D.
Identifiers: ClinVar variation 1382707 (VCV001382707.6), dbSNP rs1563854904, ClinGen allele CA373072583.